The following is an entry in ClinVar:

NM_172107.4(KCNQ2):c.388-285T>G

Gene: KCNQ2 (potassium voltage-gated channel subfamily Q member 2; minus strand). Cytogenetic location: 20q13.33.
Variant type: single nucleotide variant.
Coding change: c.388-285T>G on transcript NM_172107.4 (MANE Select); 285 bases into the intron before coding-DNA position 388, T replaced by G.
Molecular consequence: intron variant.
Genome position (GRCh38, 1-based): chr20:63,445,649, A>C on the plus strand (T>G on the coding strand, the complement: KCNQ2 is on the minus strand). VCF-style: chr20-63445649-A-C. GRCh37 (hg19) VCF-style: chr20-62077002-A-C.
Other names: c.388-285T>G (NM_004518.6, NM_172108.5, NM_172106.3 and 1 more transcripts).
Identifiers: ClinVar variation 683724 (VCV000683724.1), dbSNP rs6062940, ClinGen allele CA15962853.
Genomic context (GRCh38, chr20:63,445,649, plus strand): 5'-ATGGGGCCACCCTCCCCACCTCCCTGTCTGAGCTGGGGACTCTATCTGGGCTAGGGGACC[A>C]TGTCTGAGCTGGCAGGGCTGCCCTGTCTGAGCTAGGGGGTTCTATCTGGGCTAGGGAACC-3'

ClinVar aggregate classification (germline): Benign (1 of 4 stars; one submission).

Allele frequency attached by ClinVar (database versions not stated): gnomAD 0.61230 and 0.61307.

Submission:

GeneDx
Classification: Benign. Last evaluated: 2018-06-18. Review status: criteria provided, single submitter. Criteria: GeneDx Variant Classification (06012015). Collection method: clinical testing. Allele origin: germline. Affected: yes.
Comment: This variant is considered likely benign or benign based on one or more of the following criteria: it is a conservative change, it occurs at a poorly conserved position in the protein, it is predicted to be benign by multiple in silico algorithms, and/or has population frequency not consistent with disease.